The following is an entry in ClinVar:

NM_000059.4(BRCA2):c.8937AAAAGA[1] (p.Glu2981_Lys2982del)

Gene: BRCA2 (BRCA2 DNA repair associated; plus strand). Cytogenetic location: 13q13.1.
Variant type: Microsatellite.
Coding change: c.8937AAAAGA[1] on transcript NM_000059.4 (MANE Select); one copy of the 6-base unit AAAAGA starting at c.8937; the reference has two copies in a row; one copy, 6 bases deleted.
Protein change: p.Glu2981_Lys2982del.
Molecular consequence: inframe deletion. On other transcripts: inframe indel (6).
Genome position (GRCh38, 1-based): chr13:32,379,505-32,379,510, AAAAGA deleted; deleting any 6 consecutive bases within chr13:32,379,498-32,379,510 gives the same sequence; the position shown is the placement nearest the transcript's 3' end. VCF-style (leftmost placement, unchanged base first): chr13-32379497-AAAAAAG-A. GRCh37 (hg19) VCF-style: chr13-32953634-AAAAAAG-A.
Other names: c.8943_8948delAAAAGA (NM_000059.3); c.8937_8942AAAAGA[1], p.Glu2981_Lys2982del (NM_000059.3, NM_001406720.1); c.8841_8846AAAAGA[1], p.Glu2949_Lys2950del (NM_001406719.1); c.4005_4010AAAAGA[1], p.Glu1337_Lys1338del (NM_001406721.1); c.2520_2525AAAAGA[1], p.Glu842_Lys843del (NM_001406722.1).
Identifiers: ClinVar variation 1765193 (VCV001765193.2), dbSNP rs2548555306, ClinGen allele CA2580614702.

ClinVar aggregate classification (germline): Uncertain significance (1 of 4 stars; one submission).

Conditions:
Hereditary cancer-predisposing syndrome. Also called: Neoplastic Syndromes, Hereditary; Tumor predisposition; Hereditary Cancer Syndrome; Hereditary neoplastic syndrome. Identifiers: Orphanet 140162, MedGen C0027672, MeSH D009386, MONDO:0015356.

Submission:

Ambry Genetics
Classification: Uncertain significance for Hereditary cancer-predisposing syndrome. Last evaluated: 2022-08-08. Review status: criteria provided, single submitter. Criteria: Ambry Variant Classification Scheme 2023. Collection method: clinical testing. Allele origin: germline.
Comment: The c.8943_8948delAAAAGA variant (also known as p.E2981_K2982del) is located in coding exon 21 of the BRCA2 gene. This variant results from an in-frame AAAAGA deletion at nucleotide positions 8943 to 8948. This results in the in-frame deletion of glutamate and lysine residues at codons 2981 and 2982. This amino acid region is not well conserved in available vertebrate species. Since supporting evidence is limited at this time, the clinical significance of this alteration remains unclear.